The following is an entry in ClinVar:

NM_001111125.3(IQSEC2):c.2467G>C (p.Val823Leu)

Gene: IQSEC2 (IQ motif and Sec7 domain ArfGEF 2; minus strand). Cytogenetic location: Xp11.22.
Variant type: single nucleotide variant.
Coding change: c.2467G>C on transcript NM_001111125.3 (MANE Select); coding-DNA position 2467, G replaced by C.
Protein change: p.Val823Leu; replaces valine 823 with leucine.
Molecular consequence: missense variant.
Genome position (GRCh38, 1-based): chrX:53,248,229, C>G on the plus strand (G>C on the coding strand, the complement: IQSEC2 is on the minus strand). VCF-style: chrX-53248229-C-G. GRCh37 (hg19) VCF-style: chrX-53277411-C-G.
Other names: c.2467G>C, p.Val823Leu (NM_001410736.1); c.1852G>C, p.Val618Leu (NM_015075.2); short protein forms V823L, V618L.
Identifiers: ClinVar variation 2130598 (VCV002130598.4), dbSNP rs2519781411, ClinGen allele CA413157480.

ClinVar aggregate classification (germline): Uncertain significance (1 of 4 stars; one submission).

Conditions:
Intellectual developmental disorder, X-linked 1. Also called: Atkin Flaitz Patil Smith syndrome; Intellectual disability, X-linked 1; MENTAL RETARDATION, X-LINKED 18; MENTAL RETARDATION, X-LINKED 78. Identifiers: Orphanet 777, MedGen C2931498, MONDO:0010656, OMIM 309530.

Submission:

Labcorp Genetics (formerly Invitae), Labcorp
Classification: Uncertain significance for Intellectual developmental disorder, X-linked 1. Last evaluated: 2022-04-25. Review status: criteria provided, single submitter. Criteria: Invitae Variant Classification Sherloc (09022015). Collection method: clinical testing. Allele origin: germline.
Comment: In summary, the available evidence is currently insufficient to determine the role of this variant in disease. Therefore, it has been classified as a Variant of Uncertain Significance. Algorithms developed to predict the effect of missense changes on protein structure and function (SIFT, PolyPhen-2, Align-GVGD) all suggest that this variant is likely to be tolerated. This variant has not been reported in the literature in individuals affected with IQSEC2-related conditions. This variant is not present in population databases (gnomAD no frequency). This sequence change replaces valine, which is neutral and non-polar, with leucine, which is neutral and non-polar, at codon 823 of the IQSEC2 protein (p.Val823Leu).